The following is an entry in ClinVar:

ClinVar aggregate classification (germline): Uncertain significance (1 of 4 stars; one submission).

Conditions:
Glycogen storage disease, type II (IOPD). Also called: Glucosidase acid-1,4-alpha deficiency; POMPE DISEASE, INFANTILE-ONSET; GLYCOGEN STORAGE DISEASE II, INFANTILE-ONSET; ACID ALPHA-GLUCOSIDASE DEFICIENCY, INFANTILE-ONSET; GAA DEFICIENCY, INFANTILE-ONSET; ACID MALTASE DEFICIENCY, INFANTILE-ONSET. Identifiers: Orphanet 365, MedGen C0017921, MONDO:0009290, OMIM 232300.

Allele frequency attached by ClinVar (database versions not stated): TOPMed below 0.00001.

Submission:

Labcorp Genetics (formerly Invitae), Labcorp
Classification: Uncertain significance for Glycogen storage disease, type II. Last evaluated: 2022-11-16. Review status: criteria provided, single submitter. Criteria: Invitae Variant Classification Sherloc (09022015). Collection method: clinical testing. Allele origin: germline.
Comment: In summary, the available evidence is currently insufficient to determine the role of this variant in disease. Therefore, it has been classified as a Variant of Uncertain Significance. Advanced modeling of protein sequence and biophysical properties (such as structural, functional, and spatial information, amino acid conservation, physicochemical variation, residue mobility, and thermodynamic stability) performed at Invitae indicates that this missense variant is not expected to disrupt GAA protein function. ClinVar contains an entry for this variant (Variation ID: 1345635). This variant has not been reported in the literature in individuals affected with GAA-related conditions. This variant is not present in population databases (gnomAD no frequency). This sequence change replaces isoleucine, which is neutral and non-polar, with valine, which is neutral and non-polar, at codon 581 of the GAA protein (p.Ile581Val).

NM_000152.5(GAA):c.1741A>G (p.Ile581Val)

Gene: GAA (alpha glucosidase; plus strand). Cytogenetic location: 17q25.3.
Variant type: single nucleotide variant.
Coding change: c.1741A>G on transcript NM_000152.5 (MANE Select); coding-DNA position 1741, A replaced by G.
Protein change: p.Ile581Val; replaces isoleucine 581 with valine.
Molecular consequence: missense variant.
Genome position (GRCh38, 1-based): chr17:80,112,087, A>G. VCF-style: chr17-80112087-A-G. GRCh37 (hg19) VCF-style: chr17-78085886-A-G.
Other names: c.1741A>G, p.Ile581Val (NM_001079803.3, NM_001079804.3); short protein forms I581V.
Identifiers: ClinVar variation 1345635 (VCV001345635.6), dbSNP rs559258217, ClinGen allele CA401369145.
Genomic context (GRCh38, chr17:80,112,087, plus strand): 5'-AGCCACCAGTTTCTCTCCACACACTACAACCTGCACAACCTCTACGGCCTGACCGAAGCC[A>G]TCGCCTCCCACAGGTGAGGGCCACGTCCCGCCCCACTGGGCTCTGCCCTCACAGCCTGTC-3'
Protein context (NP_000143.2, residues 571-591): LHNLYGLTEA[Ile581Val]ASHRALVKAR